The following is an entry in ClinVar:

NM_001243133.2(NLRP3):c.724_725delinsAA (p.Ala242Lys)

Gene: NLRP3 (NLR family pyrin domain containing 3; plus strand). Cytogenetic location: 1q44.
Variant type: Indel.
Coding change: c.724_725delinsAA on transcript NM_001243133.2 (MANE Select); coding-DNA positions 724 to 725, GC replaced by AA.
Protein change: p.Ala242Lys; replaces alanine 242 with lysine.
Molecular consequence: missense variant.
Genome position (GRCh38, 1-based): chr1:247,424,173-247,424,174, GC replaced by AA. VCF-style: chr1-247424173-GC-AA. GRCh37 (hg19) VCF-style: chr1-247587475-GC-AA.
Other names: c.724_725delinsAA, p.Ala242Lys (NM_001079821.3, NM_001127461.3, NM_001127462.3 and 1 more transcripts); c.730_731delGCinsAA, p.Ala244Lys (NM_004895.4); c.730_731delinsAA, p.Ala244Lys (NM_004895.5); c.730_731delinsAA (NM_004895.4); short protein forms A242K, A244K.
Identifiers: ClinVar variation 1918444 (VCV001918444.6), dbSNP rs2527259045, ClinGen allele CA2580063581.
Genomic context (GRCh38, chr1:247,424,173, plus strand): 5'-TTCCAGGGGGCGGCAGGGATTGGGAAAACAATCCTGGCCAGGAAGATGATGTTGGACTGG[GC>AA]GTCGGGGACACTCTACCAAGACAGGTTTGACTATCTGTTCTATATCCACTGTCGAGAGGT-3'
Protein context (NP_001230062.1, residues 232-252): ILARKMMLDW[Ala242Lys]SGTLYQDRFD

ClinVar aggregate classification (germline): Uncertain significance. Review status: criteria provided, multiple submitters, no conflicts (2 of 4 stars). 2 submissions from 2 submitters: Uncertain significance (2). Last evaluated 2023-07-26.

Conditions:
NLRP3-related disorder. Also called: NLRP3-related condition; NLRP3-Related Disorders.
Cryopyrin associated periodic syndrome (CAPS). Identifiers: Orphanet 208650, MedGen C2316212, MONDO:0016168.

Submissions (2):

PreventionGenetics, part of Exact Sciences
Classification: Uncertain significance for NLRP3-related condition. Last evaluated: 2023-07-26. Review status: criteria provided, single submitter. Criteria: ACMG Guidelines, 2015. Collection method: clinical testing. Allele origin: germline.
Comment: The NLRP3 c.730_731delinsAA variant is predicted to result in an in-frame deletion and insertion. To our knowledge, this variant has not been reported in the literature or in a large population database, indicating this variant is rare. At this time, the clinical significance of this variant is uncertain due to the absence of conclusive functional and genetic evidence.

Labcorp Genetics (formerly Invitae), Labcorp
Classification: Uncertain significance for Cryopyrin associated periodic syndrome. Last evaluated: 2022-03-27. Review status: criteria provided, single submitter. Criteria: Invitae Variant Classification Sherloc (09022015). Collection method: clinical testing. Allele origin: germline.
Comment: In summary, the available evidence is currently insufficient to determine the role of this variant in disease. Therefore, it has been classified as a Variant of Uncertain Significance. Experimental studies and prediction algorithms are not available or were not evaluated, and the functional significance of this variant is currently unknown. This variant has not been reported in the literature in individuals affected with NLRP3-related conditions. This variant is not present in population databases (gnomAD no frequency). This sequence change replaces alanine, which is neutral and non-polar, with lysine, which is basic and polar, at codon 244 of the NLRP3 protein (p.Ala244Lys).